The following is an entry in ClinVar:

ClinVar aggregate classification (germline): Benign (0 of 4 stars; one submission).

Conditions:
PEAK1-related disorder. Also called: PEAK1-related condition.

Allele frequency attached by ClinVar (database versions not stated): gnomAD exomes 0.00059; ExAC 0.00145; 1000 Genomes Project 0.00300; 1000 Genomes Project 30x 0.00390; gnomAD 0.00492; TOPMed 0.00577; ESP Exome Variant Server 0.00624.
gnomAD v4.1: 1,627 of 1,614,238 alleles (0.1%); highest among the groups gnomAD compares: African/African-American, 1.7%; 8 homozygotes.

Submission:

PreventionGenetics, part of Exact Sciences
Classification: Benign for PEAK1-related condition. Last evaluated: 2019-10-28. Review status: no assertion criteria provided. Collection method: clinical testing. Allele origin: germline.
Comment: This variant is classified as benign based on ACMG/AMP sequence variant interpretation guidelines (Richards et al. 2015 PMID: 25741868, with internal and published modifications).

NM_001385026.1(PEAK1):c.3727A>G (p.Ile1243Val)

Gene: PEAK1 (pseudopodium enriched atypical kinase 1; minus strand). Cytogenetic location: 15q24.3.
Variant type: single nucleotide variant.
Coding change: c.3727A>G on transcript NM_001385026.1 (MANE Select); coding-DNA position 3727, A replaced by G.
Protein change: p.Ile1243Val; replaces isoleucine 1243 with valine.
Molecular consequence: missense variant.
Genome position (GRCh38, 1-based): chr15:77,133,355, T>C on the plus strand (A>G on the coding strand, the complement: PEAK1 is on the minus strand). VCF-style: chr15-77133355-T-C. GRCh37 (hg19) VCF-style: chr15-77425697-T-C.
Other names: c.3727A>G, p.Ile1243Val (NM_001387085.1, NM_001387086.1, NM_024776.5); short protein forms I1243V.
Identifiers: ClinVar variation 3045176 (VCV003045176.2), dbSNP rs192678529, ClinGen allele CA7676722.